The following is an entry in ClinVar:

ClinVar aggregate classification (germline): Uncertain significance. Review status: criteria provided, multiple submitters, no conflicts (2 of 4 stars). 2 submissions from 2 submitters: Uncertain significance (2). Last evaluated 2024-01-31.

Conditions:
Malignant hyperthermia, susceptibility to, 1 (MHS1). Also called: Malignant hyperthermia suceptibility 1; Anesthesia related hyperthermia; Malignant hyperpyrexia; Fulminating hyperpyrexia; Pharmacogenic myopathy; RYR1-Related Malignant Hyperthermia Susceptibility. Identifiers: Orphanet 423, MedGen C2930980, MONDO:0007783, OMIM 145600.

Submissions (2):

Blueprint Genetics
Classification: Uncertain significance. Last evaluated: 2024-01-31. Review status: criteria provided, single submitter. Criteria: ACMG Guidelines, 2015. Collection method: clinical testing. Allele origin: germline.

All of Us Research Program, National Institutes of Health
Classification: Uncertain significance for Malignant hyperthermia, susceptibility to, 1. Last evaluated: 2023-04-27. Review status: criteria provided, single submitter. Criteria: ACMG Guidelines, 2015. Collection method: clinical testing. Allele origin: germline. Inheritance: Autosomal dominant inheritance. Observed: 2 variant alleles, 2 heterozygotes.
Comment: This missense variant replaces lysine with asparagine at codon 4229 of the RYR1 protein. Computational prediction suggests that this variant may have deleterious impact on protein structure and function (internally defined REVEL score threshold >= 0.7, PMID: 27666373). To our knowledge, functional studies have not been reported for this variant. This variant has not been reported in individuals affected with malignant hyperthermia susceptibility but has been reported in individuals with congenital myopathy (PMID: 23394784, 25428687). This variant has not been identified in the general population by the Genome Aggregation Database (gnomAD). The available evidence is insufficient to determine the role of this variant in malignant hyperthermia susceptibility conclusively. Therefore, this variant is classified as a Variant of Uncertain Significance.

This study involves interpretation of variants in research participants for the purpose of population health screening. Participant phenotype was not available at the time of variant classification. Additional details can be found in publication PMID: 35346344, PMCID: PMC8962531

Literature cited by the submitters: PubMed 23394784 (cited by All of Us Research Program, National Institutes of Health); PubMed 25428687 (cited by All of Us Research Program, National Institutes of Health).

NM_000540.3(RYR1):c.12687G>T (p.Lys4229Asn)

Gene: RYR1 (ryanodine receptor 1; plus strand). Cytogenetic location: 19q13.2.
Variant type: single nucleotide variant.
Coding change: c.12687G>T on transcript NM_000540.3 (MANE Select); coding-DNA position 12687, G replaced by T.
Protein change: p.Lys4229Asn; replaces lysine 4229 with asparagine.
Molecular consequence: missense variant.
Genome position (GRCh38, 1-based): chr19:38,565,021, G>T. VCF-style: chr19-38565021-G-T. GRCh37 (hg19) VCF-style: chr19-39055661-G-T.
Other names: c.12672G>T, p.Lys4224Asn (NM_001042723.2); short protein forms K4224N, K4229N.
Identifiers: ClinVar variation 3070273 (VCV003070273.2), dbSNP rs2514674189, ClinGen allele CA405670922.